The following is an entry in ClinVar:

ClinVar aggregate classification (germline): Uncertain significance. Review status: criteria provided, multiple submitters, no conflicts (2 of 4 stars). 2 submissions from 2 submitters: Uncertain significance (2). Last evaluated 2021-12-22.

Allele frequency attached by ClinVar (database versions not stated): ESP Exome Variant Server 0.00017.
gnomAD v4.1: 15 of 1,590,756 alleles (0.00094%); highest among the groups gnomAD compares: African/African-American, 0.016%; no homozygotes.

Submissions (2):

Labcorp Genetics (formerly Invitae), Labcorp
Classification: Uncertain significance. Last evaluated: 2021-12-22. Review status: criteria provided, single submitter. Criteria: Invitae Variant Classification Sherloc (09022015). Collection method: clinical testing. Allele origin: germline.
Comment: This sequence change replaces histidine, which is basic and polar, with arginine, which is basic and polar, at codon 348 of the CEP78 protein (p.His348Arg). This variant is present in population databases (rs371728174, gnomAD 0.04%). This variant has not been reported in the literature in individuals affected with CEP78-related conditions. Algorithms developed to predict the effect of missense changes on protein structure and function output the following: SIFT: "Tolerated"; PolyPhen-2: "Benign"; Align-GVGD: "Class C0". The arginine amino acid residue is found in multiple mammalian species, which suggests that this missense change does not adversely affect protein function. In summary, the available evidence is currently insufficient to determine the role of this variant in disease. Therefore, it has been classified as a Variant of Uncertain Significance.

Blueprint Genetics
Classification: Uncertain significance. Last evaluated: 2019-12-05. Review status: criteria provided, single submitter. Criteria: ACMG Guidelines, 2015. Collection method: clinical testing. Allele origin: germline.

NM_001330691.3(CEP78):c.1043A>G (p.His348Arg)

Gene: CEP78 (centrosomal protein 78; plus strand). Cytogenetic location: 9q21.2.
Variant type: single nucleotide variant.
Coding change: c.1043A>G on transcript NM_001330691.3 (MANE Select); coding-DNA position 1043, A replaced by G.
Protein change: p.His348Arg; replaces histidine 348 with arginine.
Molecular consequence: missense variant.
Genome position (GRCh38, 1-based): chr9:78,248,847, A>G. VCF-style: chr9-78248847-A-G. GRCh37 (hg19) VCF-style: chr9-80863763-A-G.
Other names: c.1043A>G, p.His348Arg (NM_001098802.3, NM_001330693.3, NM_001330694.2 and 4 more transcripts); short protein forms H348R.
Identifiers: ClinVar variation 1930333 (VCV001930333.3), dbSNP rs371728174, ClinGen allele CA5095121.
Genomic context (GRCh38, chr9:78,248,847, plus strand): 5'-TGAAGGAACCATCCAAAACTGCTAAACAGAAAAGGAGAACTATAATTCTAGGAAGTGGTC[A>G]CAAAGGAAAAGCTACTATTAGAATTGGTAACCTTTTCTGTCTTGGCTTTTTAATGCTACT-3'
Protein context (NP_001317620.1, residues 338-358): KRRTIILGSG[His348Arg]KGKATIRIGL